The following is an entry in ClinVar:

ClinVar aggregate classification (germline): Likely benign. Review status: criteria provided, multiple submitters, no conflicts (2 of 4 stars). 3 submissions from 3 submitters: Likely benign (3). Last evaluated 2026-06-01.

Conditions:
Inborn genetic diseases. Identifiers: MedGen C0950123, MeSH D030342.

Allele frequency attached by ClinVar (database versions not stated): gnomAD exomes below 0.00001 and 0.00001; gnomAD 0.00001; TOPMed 0.00001.
gnomAD v4.1: 3 of 1,614,022 alleles (0.00019%); highest among the groups gnomAD compares: Admixed American, 0.005%; no homozygotes.

Submissions (3):

CeGaT Center for Human Genetics Tuebingen
Classification: Likely benign. Last evaluated: 2026-06-01. Review status: criteria provided, single submitter. Criteria: CeGaT Center For Human Genetics Tuebingen Variant Classification Criteria Version 2. Collection method: clinical testing. Allele origin: germline. Affected: yes. Observed: 1 variant allele.
Comment: CDH2: BP4, BP7

Labcorp Genetics (formerly Invitae), Labcorp
Classification: Likely benign. Last evaluated: 2024-10-16. Review status: criteria provided, single submitter. Criteria: Invitae Variant Classification Sherloc (09022015). Collection method: clinical testing. Allele origin: germline.

Ambry Genetics
Classification: Likely benign for Inborn genetic diseases. Last evaluated: 2024-02-22. Review status: criteria provided, single submitter. Criteria: Ambry Variant Classification Scheme 2023. Collection method: clinical testing. Allele origin: germline.

NM_001792.5(CDH2):c.2112C>T (p.Asp704=)

Gene: CDH2 (cadherin 2; minus strand). Cytogenetic location: 18q12.1.
Variant type: single nucleotide variant.
Coding change: c.2112C>T on transcript NM_001792.5 (MANE Select); coding-DNA position 2112, C replaced by T.
Protein change: p.Asp704=; no amino-acid change (aspartic acid 704 retained).
Molecular consequence: synonymous variant.
Genome position (GRCh38, 1-based): chr18:27,985,097, G>A on the plus strand (C>T on the coding strand, the complement: CDH2 is on the minus strand). VCF-style: chr18-27985097-G-A. GRCh37 (hg19) VCF-style: chr18-25565061-G-A.
Other names: c.2019C>T, p.Asp673= (NM_001308176.2); c.2112C>T (NM_001792.3).
Identifiers: ClinVar variation 1613714 (VCV001613714.11), dbSNP rs1259389629, ClinGen allele CA503526803.